The following is an entry in ClinVar:

ClinVar aggregate classification (germline): Pathogenic (1 of 4 stars; one submission).

Conditions:
Sulfite oxidase deficiency due to molybdenum cofactor deficiency type A. Also called: Molybdenum Cofactor Deficiency A; Molybdenum cofactor deficiency, complementation group A. Identifiers: Orphanet 308386, Orphanet 833, MedGen C1854988, MONDO:0009643, OMIM 252150.

Submission:

Labcorp Genetics (formerly Invitae), Labcorp
Classification: Pathogenic for Sulfite oxidase deficiency due to molybdenum cofactor deficiency type A. Last evaluated: 2022-11-17. Review status: criteria provided, single submitter. Criteria: Invitae Variant Classification Sherloc (09022015). Collection method: clinical testing. Allele origin: germline.
Comment: This variant disrupts a region of the MOCS1 protein in which other variant(s) (p.Glu503Alafs*103) have been determined to be pathogenic (PMID: 9731530, 9921896). This suggests that this is a clinically significant region of the protein, and that variants that disrupt it are likely to be disease-causing. For these reasons, this variant has been classified as Pathogenic. This variant has not been reported in the literature in individuals affected with MOCS1-related conditions. This variant is not present in population databases (gnomAD no frequency). This sequence change creates a premature translational stop signal (p.Gln446Argfs*32) in the MOCS1 gene. While this is not anticipated to result in nonsense mediated decay, it is expected to disrupt the last 191 amino acid(s) of the MOCS1 protein.

Literature cited by the submitters: PubMed 9731530; PubMed 9921896.

NM_001358530.2(MOCS1):c.1332del (p.Gln446fs)

Gene: MOCS1 (molybdenum cofactor synthesis 1; minus strand). Cytogenetic location: 6p21.2.
Variant type: Deletion.
Coding change: c.1332del on transcript NM_001358530.2 (MANE Select); coding-DNA position 1332, one base deleted (C; older notation c.1332delC).
Protein change: p.Gln446fs; shifts the reading frame from glutamine 446.
Molecular consequence: frameshift variant. On other transcripts: 3 prime UTR variant (4), non-coding transcript variant (1).
Genome position (GRCh38, 1-based): chr6:39,906,936, G deleted on the plus strand (C on the coding strand, the reverse complement: MOCS1 is on the minus strand); the first of 2 consecutive G bases (chr6:39,906,936-39,906,937); deleting either gives the same sequence. VCF-style (leftmost placement, unchanged base first): chr6-39906935-AG-A. GRCh37 (hg19) VCF-style: chr6-39874711-AG-A.
Other names: c.*189del (NM_001075098.4, NM_001358533.2, NM_001358534.2 and 1 more transcripts); c.1284del, p.Gln430fs (NM_001358529.2); c.1071del, p.Gln359fs (NM_001358531.2); short protein forms Q359fs, Q446fs, Q430fs.
Identifiers: ClinVar variation 2017259 (VCV002017259.4), dbSNP rs1766993480, ClinGen allele CA1622889677.
Genomic context (GRCh38, chr6:39,906,935, plus strand): 5'-CTGGGCTAAGGCACTTTGAGTTGGCATCTGAGTCTGCACGGGAAGTGTAGTGTCTCTGAA[AG>A]GAGCCAGACCCCAGCCGCTGCTGGGCTAGAGGAGGGGTCTGGGGGACCCTGCATCCTTTC-3'